The following is an entry in ClinVar:

ClinVar aggregate classification (germline): Uncertain significance (1 of 4 stars; one submission).

gnomAD v4.1: 6 of 1,614,048 alleles (0.00037%); highest among the groups gnomAD compares: African/African-American, 0.004%; no homozygotes.

Submission:

Labcorp Genetics (formerly Invitae), Labcorp
Classification: Uncertain significance. Last evaluated: 2025-05-23. Review status: criteria provided, single submitter. Criteria: Invitae Variant Classification Sherloc (09022015). Collection method: clinical testing. Allele origin: germline.
Comment: This sequence change replaces serine, which is neutral and polar, with cysteine, which is neutral and slightly polar, at codon 301 of the ANXA11 protein (p.Ser301Cys). This variant is not present in population databases (gnomAD no frequency). This variant has not been reported in the literature in individuals affected with ANXA11-related conditions. An algorithm developed to predict the effect of missense changes on protein structure and function (PolyPhen-2) suggests that this variant is likely to be disruptive. In summary, the available evidence is currently insufficient to determine the role of this variant in disease. Therefore, it has been classified as a Variant of Uncertain Significance.

NM_145868.2(ANXA11):c.902C>G (p.Ser301Cys)

Gene: ANXA11 (annexin A11; minus strand). Cytogenetic location: 10q22.3.
Variant type: single nucleotide variant.
Coding change: c.902C>G on transcript NM_145868.2 (MANE Select); coding-DNA position 902, C replaced by G.
Protein change: p.Ser301Cys; replaces serine 301 with cysteine.
Molecular consequence: missense variant.
Genome position (GRCh38, 1-based): chr10:80,164,100, G>C on the plus strand (C>G on the coding strand, the complement: ANXA11 is on the minus strand). VCF-style: chr10-80164100-G-C. GRCh37 (hg19) VCF-style: chr10-81923856-G-C.
Other names: c.902C>G, p.Ser301Cys (NM_001157.3, NM_001278407.2, NM_001278408.2 and 1 more transcripts); c.803C>G, p.Ser268Cys (NM_001278409.2); short protein forms S301C, S268C.
Identifiers: ClinVar variation 4747981 (VCV004747981.1).
Genomic context (GRCh38, chr10:80,164,100, plus strand): 5'-GGAGCGGCCTCACCTGCTTTGTAGGCTCTGTTTAATTCTCGGATGTGCTCATTGCTGCGG[G>C]AAGCGAGGATCTCAATCAGGCAGGCTTCATCAGTGCCAACCCCCTGCAGGGGCAGAGAAT-3'
Protein context (NP_665875.1, residues 291-311): DEACLIEILA[Ser301Cys]RSNEHIRELN